The following is an entry in ClinVar:

ClinVar aggregate classification (germline): Uncertain significance. Review status: criteria provided, multiple submitters, no conflicts (2 of 4 stars). 2 submissions from 2 submitters: Uncertain significance (2). Last evaluated 2025-10-20.

Conditions:
Inborn genetic diseases. Identifiers: MedGen C0950123, MeSH D030342.

Allele frequency attached by ClinVar (database versions not stated): TOPMed 0.00001.
gnomAD v4.1: 1 of 1,613,886 alleles (0.000062%); highest among the groups gnomAD compares: Admixed American, 0.0017%; no homozygotes.

Submissions (2):

Labcorp Genetics (formerly Invitae), Labcorp
Classification: Uncertain significance. Last evaluated: 2025-10-20. Review status: criteria provided, single submitter. Criteria: Invitae Variant Classification Sherloc (09022015). Collection method: clinical testing. Allele origin: germline.
Comment: This sequence change replaces serine, which is neutral and polar, with arginine, which is basic and polar, at codon 209 of the SLC1A2 protein (p.Ser209Arg). This variant is not present in population databases (gnomAD no frequency). This variant has not been reported in the literature in individuals affected with SLC1A2-related conditions. ClinVar contains an entry for this variant (Variation ID: 2253258). An algorithm developed to predict the effect of missense changes on protein structure and function (PolyPhen-2) suggests that this variant is likely to be tolerated. In summary, the available evidence is currently insufficient to determine the role of this variant in disease. Therefore, it has been classified as a Variant of Uncertain Significance.

Ambry Genetics
Classification: Uncertain significance for Inborn genetic diseases. Last evaluated: 2021-10-06. Review status: criteria provided, single submitter. Criteria: Ambry Variant Classification Scheme 2023. Collection method: clinical testing. Allele origin: germline.

NM_004171.4(SLC1A2):c.627C>G (p.Ser209Arg)

Gene: SLC1A2 (solute carrier family 1 member 2; minus strand). Cytogenetic location: 11p13.
Variant type: single nucleotide variant.
Coding change: c.627C>G on transcript NM_004171.4 (MANE Select); coding-DNA position 627, C replaced by G.
Protein change: p.Ser209Arg; replaces serine 209 with arginine.
Molecular consequence: missense variant.
Genome position (GRCh38, 1-based): chr11:35,306,177, G>C on the plus strand (C>G on the coding strand, the complement: SLC1A2 is on the minus strand). VCF-style: chr11-35306177-G-C. GRCh37 (hg19) VCF-style: chr11-35327724-G-C.
Other names: c.600C>G, p.Ser200Arg (NM_001195728.3, NM_001252652.2); short protein forms S200R, S209R.
Identifiers: ClinVar variation 2253258 (VCV002253258.3), dbSNP rs552433198, ClinGen allele CA220515851.